The following is an entry in ClinVar:

ClinVar aggregate classification (germline): Uncertain significance (1 of 4 stars; one submission).

Conditions:
Hereditary cancer-predisposing syndrome. Also called: Neoplastic Syndromes, Hereditary; Hereditary Cancer Syndrome; Hereditary neoplastic syndrome; Tumor predisposition. Identifiers: Orphanet 140162, MedGen C0027672, MeSH D009386, MONDO:0015356.

gnomAD v4.1: 1 of 1,614,100 alleles (0.000062%); highest among the groups gnomAD compares: Non-Finnish European, 0.000085%; no homozygotes.

Submission:

Ambry Genetics
Classification: Uncertain significance for Hereditary cancer-predisposing syndrome. Last evaluated: 2023-05-21. Review status: criteria provided, single submitter. Criteria: Ambry Variant Classification Scheme 2023. Collection method: clinical testing. Allele origin: germline.
Comment: The p.P1363S variant (also known as c.4087C>T), located in coding exon 32 of the POLE gene, results from a C to T substitution at nucleotide position 4087. The proline at codon 1363 is replaced by serine, an amino acid with similar properties. This amino acid position is conserved. In addition, this alteration is predicted to be tolerated by in silico analysis. Since supporting evidence is limited at this time, the clinical significance of this alteration remains unclear.

NM_006231.4(POLE):c.4087C>T (p.Pro1363Ser)

Gene: POLE (DNA polymerase epsilon, catalytic subunit; minus strand). Cytogenetic location: 12q24.33.
Variant type: single nucleotide variant.
Coding change: c.4087C>T on transcript NM_006231.4 (MANE Select); coding-DNA position 4087, C replaced by T.
Protein change: p.Pro1363Ser; replaces proline 1363 with serine.
Molecular consequence: missense variant.
Genome position (GRCh38, 1-based): chr12:132,648,991, G>A on the plus strand (C>T on the coding strand, the complement: POLE is on the minus strand). VCF-style: chr12-132648991-G-A. GRCh37 (hg19) VCF-style: chr12-133225577-G-A.
Other names: short protein forms P1363S.
Identifiers: ClinVar variation 2560394 (VCV002560394.2), dbSNP rs2541940929, ClinGen allele CA387383764.
Genomic context (GRCh38, chr12:132,648,991, plus strand): 5'-TGCGATACGAAGCACCCTCCTCCGCTTTAGCGACTCGCTGGTTCACGTAGAACACACGGG[G>A]GATGCTCAGCCTGATGCAGTGCAAGTCACTGCCAACGAGCGCCCACAGCCTGAACAGGCC-3'
Protein context (NP_006222.2, residues 1353-1373): SDLHCIRLSI[Pro1363Ser]RVFYVNQRVA